The following is an entry in ClinVar:

NM_001458.5(FLNC):c.3000T>C (p.Asp1000=)

Gene: FLNC (filamin C; plus strand). Cytogenetic location: 7q32.1.
Variant type: single nucleotide variant.
Coding change: c.3000T>C on transcript NM_001458.5 (MANE Select); coding-DNA position 3000, T replaced by C.
Protein change: p.Asp1000=; no amino-acid change (aspartic acid 1000 retained).
Molecular consequence: synonymous variant.
Genome position (GRCh38, 1-based): chr7:128,844,074, T>C. VCF-style: chr7-128844074-T-C. GRCh37 (hg19) VCF-style: chr7-128484128-T-C.
Other names: p.Asp1000=; c.3000T>C, p.Asp1000= (NM_001127487.2).
Identifiers: ClinVar variation 258139 (VCV000258139.57), dbSNP rs184454068, ClinGen allele CA4474931.

ClinVar aggregate classification (germline): Benign/Likely benign. Review status: criteria provided, multiple submitters, no conflicts (2 of 4 stars). 14 submissions from 14 submitters: Benign (5); Likely benign (6). 3 of the submissions do not count toward it. Last evaluated 2026-09-01.

Conditions:
Hypertrophic cardiomyopathy 26. Also called: Cardiomyopathy, familial hypertrophic, 26. Identifiers: Orphanet 75249, MedGen C4310749, MONDO:0014883, OMIM 617047.
Distal myopathy with posterior leg and anterior hand involvement. Also called: WILLIAMS DISTAL MYOPATHY. Identifiers: Orphanet 63273, MedGen C3279722, MONDO:0013550, OMIM 614065.
Myofibrillar myopathy 5. Also called: Filaminopathy (type); FILAMINOPATHY, AUTOSOMAL DOMINANT. Identifiers: Orphanet 171445, MedGen C1836050, MONDO:0012289, OMIM 609524.
Cardiovascular phenotype. Identifiers: MedGen CN230736.

Allele frequency attached by ClinVar (database versions not stated): 1000 Genomes Project 30x 0.00016; 1000 Genomes Project 0.00020; TOPMed 0.00073; ESP Exome Variant Server 0.00102; ExAC 0.00105; gnomAD 0.00107 and 0.00110.
gnomAD v4.1: 1,396 of 1,614,014 alleles (0.086%); highest among the groups gnomAD compares: Middle Eastern, 0.28%; 2 homozygotes.

Submissions (14):

CeGaT Center for Human Genetics Tuebingen
Classification: Likely benign. Last evaluated: 2026-09-01. Review status: criteria provided, single submitter. Criteria: CeGaT Center For Human Genetics Tuebingen Variant Classification Criteria Version 2. Collection method: clinical testing. Allele origin: germline. Affected: yes. Observed: 25 variant alleles.
Comment: FLNC: BP4, BP7

Labcorp Genetics (formerly Invitae), Labcorp
Classification: Benign for Distal myopathy with posterior leg and anterior hand involvement; Myofibrillar myopathy 5; Hypertrophic cardiomyopathy 26. Last evaluated: 2026-02-03. Review status: criteria provided, single submitter. Criteria: Invitae Variant Classification Sherloc (09022015). Collection method: clinical testing. Allele origin: germline.

Mayo Clinic Laboratories, Mayo Clinic
Classification: Likely benign. Last evaluated: 2025-12-10. Review status: criteria provided, single submitter. Criteria: ACMG Guidelines, 2015. Collection method: clinical testing. Allele origin: germline. Observed: 5 variant alleles.
Comment: BS1, BP4, BP7

ARUP Laboratories, Molecular Genetics and Genomics, ARUP Laboratories
Classification: Benign. Last evaluated: 2025-05-28. Review status: criteria provided, single submitter. Criteria: ARUP Molecular Germline Variant Investigation Process 2024. Collection method: clinical testing. Allele origin: germline.

Molecular Diagnostic Laboratory for Inherited Cardiovascular Disease, Montreal Heart Institute
Classification: Benign. Last evaluated: 2025-04-09. Review status: criteria provided, single submitter. Criteria: ACMG Guidelines, 2015. Collection method: clinical testing. Allele origin: germline. Affected: no.

Women's Health and Genetics/Laboratory Corporation of America, LabCorp
Classification: Benign. Last evaluated: 2025-04-07. Review status: criteria provided, single submitter. Criteria: LabCorp Variant Classification Summary - May 2015. Collection method: clinical testing. Allele origin: germline.

Blueprint Genetics
Classification: Likely benign. Last evaluated: 2024-11-25. Review status: criteria provided, single submitter. Criteria: ACMG Guidelines, 2015. Collection method: clinical testing. Allele origin: germline.

Fulgent Genetics
Classification: Likely benign for Myofibrillar myopathy 5; Distal myopathy with posterior leg and anterior hand involvement; Hypertrophic cardiomyopathy 26. Last evaluated: 2021-09-01. Review status: criteria provided, single submitter. Criteria: ACMG Guidelines, 2015. Collection method: clinical testing. Allele origin: unknown.

GeneDx
Classification: Benign. Last evaluated: 2021-01-21. Review status: criteria provided, single submitter. Criteria: GeneDx Variant Classification Process June 2021. Collection method: clinical testing. Allele origin: germline. Affected: yes.

Ambry Genetics
Classification: Likely benign for Cardiovascular phenotype. Last evaluated: 2019-04-14. Review status: criteria provided, single submitter. Criteria: Ambry Variant Classification Scheme 2023. Collection method: clinical testing. Allele origin: germline.

PreventionGenetics, part of Exact Sciences
Classification: Likely benign. Review status: criteria provided, single submitter. Criteria: ACMG Guidelines, 2015. Collection method: clinical testing. Allele origin: germline.

Clinical Genetics DNA and cytogenetics Diagnostics Lab, Erasmus MC, Erasmus Medical Center
Classification: Likely benign. Review status: no assertion criteria provided. Collection method: clinical testing. Allele origin: germline. Affected: yes. Study: VKGL Data-share Consensus. Not counted in ClinVar's aggregate classification.

Clinical Genetics, Academic Medical Center
Classification: Benign. Review status: no assertion criteria provided. Collection method: clinical testing. Allele origin: germline. Affected: yes. Study: VKGL Data-share Consensus. Not counted in ClinVar's aggregate classification.

Joint Genome Diagnostic Labs from Nijmegen and Maastricht, Radboudumc and MUMC+
Classification: Benign. Review status: no assertion criteria provided. Collection method: clinical testing. Allele origin: germline. Affected: yes. Study: VKGL Data-share Consensus. Not counted in ClinVar's aggregate classification.